The following is an entry in ClinVar:

NM_144997.7(FLCN):c.781C>T (p.Leu261Phe)

Gene: FLCN (folliculin; minus strand). Cytogenetic location: 17p11.2.
Variant type: single nucleotide variant.
Coding change: c.781C>T on transcript NM_144997.7 (MANE Select); coding-DNA position 781, C replaced by T.
Protein change: p.Leu261Phe; replaces leucine 261 with phenylalanine.
Molecular consequence: missense variant.
Genome position (GRCh38, 1-based): chr17:17,221,627, G>A on the plus strand (C>T on the coding strand, the complement: FLCN is on the minus strand). VCF-style: chr17-17221627-G-A. GRCh37 (hg19) VCF-style: chr17-17124941-G-A.
Other names: c.835C>T, p.Leu279Phe (NM_001353229.2); c.781C>T, p.Leu261Phe (NM_001353230.2, NM_001353231.2, NM_144606.7); short protein forms L279F, L261F.
Identifiers: ClinVar variation 3021636 (VCV003021636.3), dbSNP rs751677461, ClinGen allele CA8416292.

ClinVar aggregate classification (germline): Uncertain significance (1 of 4 stars; one submission).

Conditions:
Birt-Hogg-Dube syndrome. Also called: Birt Hogg Dubé syndrome. Identifiers: Orphanet 122, MedGen C0346010, MONDO:0800444.

Allele frequency attached by ClinVar (database versions not stated): ExAC 0.00001.

Submission:

Labcorp Genetics (formerly Invitae), Labcorp
Classification: Uncertain significance for Birt-Hogg-Dube syndrome. Last evaluated: 2024-05-15. Review status: criteria provided, single submitter. Criteria: Invitae Variant Classification Sherloc (09022015). Collection method: clinical testing. Allele origin: germline.
Comment: This sequence change replaces leucine, which is neutral and non-polar, with phenylalanine, which is neutral and non-polar, at codon 261 of the FLCN protein (p.Leu261Phe). This variant is present in population databases (rs751677461, gnomAD no frequency). This variant has not been reported in the literature in individuals affected with FLCN-related conditions. An algorithm developed to predict the effect of missense changes on protein structure and function (PolyPhen-2) suggests that this variant is likely to be disruptive. In summary, the available evidence is currently insufficient to determine the role of this variant in disease. Therefore, it has been classified as a Variant of Uncertain Significance.